The following is an entry in ClinVar:

NM_007217.4(PDCD10):c.143TCA[1] (p.Ile49del)

Gene: PDCD10 (programmed cell death 10; minus strand). Cytogenetic location: 3q26.1.
Variant type: Microsatellite.
Coding change: c.143TCA[1] on transcript NM_007217.4 (MANE Select); one copy of the 3-base unit TCA starting at c.143; the reference has two copies in a row; one copy, 3 bases deleted.
Protein change: p.Ile49del; deletes isoleucine 49.
Molecular consequence: inframe deletion.
Genome position (GRCh38, 1-based): chr3:167,704,844-167,704,846, TGA deleted on the plus strand (TCA on the coding strand, the reverse complement: PDCD10 is on the minus strand); deleting any 3 consecutive bases within chr3:167,704,844-167,704,849 gives the same sequence; the position shown is the placement nearest the transcript's 3' end. VCF-style (leftmost placement, unchanged base first): chr3-167704843-TTGA-T. GRCh37 (hg19) VCF-style: chr3-167422631-TTGA-T.
Other names: c.143TCA[1], p.Ile49del (NM_145859.2, NM_145860.2); short protein forms I49del.
Identifiers: ClinVar variation 2069365 (VCV002069365.4), dbSNP rs2475799341, ClinGen allele CA2580616007.

ClinVar aggregate classification (germline): Uncertain significance (1 of 4 stars; one submission).

Conditions:
Cerebral cavernous malformation 3. Also called: Familial Cerebral Cavernous Malformation 3. Identifiers: Orphanet 221061, MedGen C1864040, MONDO:0011305, OMIM 603285.

Submission:

Labcorp Genetics (formerly Invitae), Labcorp
Classification: Uncertain significance for Cerebral cavernous malformation 3. Last evaluated: 2024-09-26. Review status: criteria provided, single submitter. Criteria: Invitae Variant Classification Sherloc (09022015). Collection method: clinical testing. Allele origin: germline.
Comment: This variant, c.146_148del, results in the deletion of 1 amino acid(s) of the PDCD10 protein (p.Ile49del), but otherwise preserves the integrity of the reading frame. This variant is not present in population databases (gnomAD no frequency). This variant has been observed in individual(s) with clinical features of cerebral cavernous malformations (internal data). Experimental studies and prediction algorithms are not available or were not evaluated, and the functional significance of this variant is currently unknown. In summary, the available evidence is currently insufficient to determine the role of this variant in disease. Therefore, it has been classified as a Variant of Uncertain Significance.